The following is an entry in ClinVar:

ClinVar aggregate classification (germline): Conflicting classifications of pathogenicity. Review status: criteria provided, conflicting classifications (1 of 4 stars). 2 submissions from 2 submitters: Uncertain significance (1); Likely benign (1). Last evaluated 2022-02-28.

Conditions:
Inborn genetic diseases. Identifiers: MedGen C0950123, MeSH D030342.
Cornelia de Lange syndrome 1 (CDLS1). Also called: TYPUS DEGENERATIVUS AMSTELODAMENSIS; NIPBL-Related Cornelia de Lange Syndrome; Brachmann de Lange syndrome. Identifiers: Orphanet 199, MedGen C4551851, MONDO:0007387, OMIM 122470.

gnomAD v4.1: 9 of 1,613,656 alleles (0.00056%); highest among the groups gnomAD compares: Non-Finnish European, 0.00076%; no homozygotes.

Submissions (2):

Labcorp Genetics (formerly Invitae), Labcorp
Classification: Uncertain significance for Cornelia de Lange syndrome 1. Last evaluated: 2022-02-28. Review status: criteria provided, single submitter. Criteria: Invitae Variant Classification Sherloc (09022015). Collection method: clinical testing. Allele origin: germline.
Comment: In summary, the available evidence is currently insufficient to determine the role of this variant in disease. Therefore, it has been classified as a Variant of Uncertain Significance. Algorithms developed to predict the effect of missense changes on protein structure and function are either unavailable or do not agree on the potential impact of this missense change (SIFT: "Deleterious"; PolyPhen-2: "Benign"; Align-GVGD: "Class C0"). ClinVar contains an entry for this variant (Variation ID: 588832). This variant has not been reported in the literature in individuals affected with NIPBL-related conditions. This variant is not present in population databases (gnomAD no frequency). This sequence change replaces arginine, which is basic and polar, with leucine, which is neutral and non-polar, at codon 792 of the NIPBL protein (p.Arg792Leu).

Ambry Genetics
Classification: Likely benign for Inborn genetic diseases. Last evaluated: 2017-09-13. Review status: criteria provided, single submitter. Criteria: Ambry Variant Classification Scheme 2023. Collection method: clinical testing. Allele origin: germline.

NM_133433.4(NIPBL):c.2375G>T (p.Arg792Leu)

Gene: NIPBL (NIPBL cohesin loading factor; plus strand). Cytogenetic location: 5p13.2.
Variant type: single nucleotide variant.
Coding change: c.2375G>T on transcript NM_133433.4 (MANE Select); coding-DNA position 2375, G replaced by T.
Protein change: p.Arg792Leu; replaces arginine 792 with leucine.
Molecular consequence: missense variant.
Genome position (GRCh38, 1-based): chr5:36,985,555, G>T. VCF-style: chr5-36985555-G-T. GRCh37 (hg19) VCF-style: chr5-36985657-G-T.
Other names: c.2375G>T, p.Arg792Leu (NM_015384.5); short protein forms R792L.
Identifiers: ClinVar variation 588832 (VCV000588832.10), dbSNP rs376912534, ClinGen allele CA359500940.